The following is an entry in ClinVar:

NM_054012.4(ASS1):c.496-2A>G

Gene: ASS1 (argininosuccinate synthase 1; plus strand). Cytogenetic location: 9q34.11.
Variant type: single nucleotide variant.
Coding change: c.496-2A>G on transcript NM_054012.4 (MANE Select); the canonical splice acceptor site of the intron before coding-DNA position 496, A replaced by G.
Molecular consequence: splice acceptor variant.
Genome position (GRCh38, 1-based): chr9:130,470,832, A>G. VCF-style: chr9-130470832-A-G. GRCh37 (hg19) VCF-style: chr9-133346219-A-G.
Other names: c.496-2A>G (NM_000050.4).
Identifiers: ClinVar variation 92368 (VCV000092368.11), dbSNP rs398123130, ClinGen allele CA266752.
Genomic context (GRCh38, chr9:130,470,832, plus strand): 5'-GGACGGACCTCACGCGTCCTTCCAGCCGCCTTACCTCCACCTGTGCTGTCTCTTTCCTGC[A>G]GCAACACGGGATTCCCATCCCGGTCACTCCCAAGAACCCGTGGAGCATGGATGAGAACCT-3'

ClinVar aggregate classification (germline): Pathogenic/Likely pathogenic. Review status: criteria provided, multiple submitters, no conflicts (2 of 4 stars). 6 submissions from 6 submitters: Pathogenic (3); Likely pathogenic (2). 1 of the submissions does not count toward it. Last evaluated 2025-07-07.

Conditions:
Citrullinemia. Identifiers: Orphanet 187, MedGen C0175683, MONDO:0015991.
Citrullinemia type I (CTNL1). Also called: ASS DEFICIENCY; argininosuccinate synthetase deficiency. Identifiers: Orphanet 247525, MedGen C4721769, MONDO:0008988, OMIM 215700.

Allele frequency attached by ClinVar (database versions not stated): TOPMed below 0.00001; gnomAD exomes 0.00001.

Submissions (6):

Natera, Inc.
Classification: Likely pathogenic for Citrullinemia type I. Last evaluated: 2025-07-07. Review status: criteria provided, single submitter. Criteria: Natera Variant Classification Schema (03/2026). Collection method: clinical testing. Allele origin: germline.
Comment: The c.496-2A>G variant in ASS1 is a canonical splice acceptor site variant predicted to affect pre-mRNA splicing, which may result in an abnormal transcript and altered protein product. This variant is expected to result in nonsense mediated decay, truncation, or a dysfunctional protein product. This variant is rare in the general population with a frequency below the threshold expected for the associated phenotype(s). Given the available evidence, this variant is classified as Likely Pathogenic.

Revvity Omics, Revvity
Classification: Pathogenic for Citrullinemia type I. Last evaluated: 2025-02-26. Review status: criteria provided, single submitter. Criteria: ACMG Guidelines, 2015. Collection method: clinical testing. Allele origin: germline.

Labcorp Genetics (formerly Invitae), Labcorp
Classification: Likely pathogenic for Citrullinemia. Last evaluated: 2024-09-04. Review status: criteria provided, single submitter. Criteria: Invitae Variant Classification Sherloc (09022015). Collection method: clinical testing. Allele origin: germline.
Comment: This sequence change affects an acceptor splice site in intron 7 of the ASS1 gene. It is expected to disrupt RNA splicing. Variants that disrupt the donor or acceptor splice site typically lead to a loss of protein function (PMID: 16199547), and loss-of-function variants in ASS1 are known to be pathogenic (PMID: 18473344, 19006241). This variant is not present in population databases (gnomAD no frequency). Disruption of this splice site has been observed in individual(s) with citrullinemia (internal data). ClinVar contains an entry for this variant (Variation ID: 92368). Algorithms developed to predict the effect of sequence changes on RNA splicing suggest that this variant may disrupt the consensus splice site. In summary, the currently available evidence indicates that the variant is pathogenic, but additional data are needed to prove that conclusively. Therefore, this variant has been classified as Likely Pathogenic.

Baylor Genetics
Classification: Pathogenic for Citrullinemia type I. Last evaluated: 2023-11-19. Review status: criteria provided, single submitter. Criteria: ACMG Guidelines, 2015. Collection method: clinical testing. Allele origin: unknown.

Eurofins Ntd Llc (ga)
Classification: Pathogenic. Last evaluated: 2012-11-01. Review status: criteria provided, single submitter. Criteria: EGL Classification Definitions 2015. Collection method: clinical testing. Allele origin: germline. Observed: 1 variant allele, 1 heterozygote.

Counsyl
Classification: Likely pathogenic for Citrullinemia type I. Last evaluated: 2017-11-13. Review status: no assertion criteria provided. Collection method: clinical testing. Allele origin: unknown. Not counted in ClinVar's aggregate classification.

Literature cited by the submitters: PubMed 16199547 (cited by Labcorp Genetics (formerly Invitae), Labcorp); PubMed 18473344 (cited by Labcorp Genetics (formerly Invitae), Labcorp); PubMed 19006241 (cited by Labcorp Genetics (formerly Invitae), Labcorp); PubMed 28111830 (cited by Counsyl).